The following is an entry in ClinVar:

ClinVar aggregate classification (germline): Uncertain significance. Review status: criteria provided, multiple submitters, no conflicts (2 of 4 stars). 2 submissions from 2 submitters: Uncertain significance (2). Last evaluated 2025-08-29.

Allele frequency attached by ClinVar (database versions not stated): ExAC 0.00002; gnomAD exomes 0.00002; gnomAD 0.00003; TOPMed 0.00003.
gnomAD v4.1: 38 of 1,614,078 alleles (0.0024%); highest among the groups gnomAD compares: Non-Finnish European, 0.0031%; no homozygotes.

Submissions (2):

Ambry Genetics
Classification: Uncertain significance. Last evaluated: 2025-08-29. Review status: criteria provided, single submitter. Criteria: Ambry Variant Classification Scheme 2023. Collection method: clinical testing. Allele origin: germline.

Labcorp Genetics (formerly Invitae), Labcorp
Classification: Uncertain significance. Last evaluated: 2022-08-09. Review status: criteria provided, single submitter. Criteria: Invitae Variant Classification Sherloc (09022015). Collection method: clinical testing. Allele origin: germline.
Comment: This variant is present in population databases (rs569664059, gnomAD 0.003%). This sequence change replaces lysine, which is basic and polar, with threonine, which is neutral and polar, at codon 479 of the DSTYK protein (p.Lys479Thr). This variant has not been reported in the literature in individuals affected with DSTYK-related conditions. In summary, the available evidence is currently insufficient to determine the role of this variant in disease. Therefore, it has been classified as a Variant of Uncertain Significance. Algorithms developed to predict the effect of missense changes on protein structure and function (SIFT, PolyPhen-2, Align-GVGD) all suggest that this variant is likely to be disruptive.

NM_015375.3(DSTYK):c.1436A>C (p.Lys479Thr)

Gene: DSTYK (dual serine/threonine and tyrosine protein kinase; minus strand). Cytogenetic location: 1q32.1.
Variant type: single nucleotide variant.
Coding change: c.1436A>C on transcript NM_015375.3 (MANE Select); coding-DNA position 1436, A replaced by C.
Protein change: p.Lys479Thr; replaces lysine 479 with threonine.
Molecular consequence: missense variant.
Genome position (GRCh38, 1-based): chr1:205,163,844, T>G on the plus strand (A>C on the coding strand, the complement: DSTYK is on the minus strand). VCF-style: chr1-205163844-T-G. GRCh37 (hg19) VCF-style: chr1-205132972-T-G.
Other names: c.1436A>C, p.Lys479Thr (NM_199462.3); c.1436A>C (NM_015375.2); short protein forms K479T.
Identifiers: ClinVar variation 2417597 (VCV002417597.9), dbSNP rs569664059, ClinGen allele CA1352845.